The following is an entry in ClinVar:

ClinVar aggregate classification (germline): Uncertain significance (1 of 4 stars; one submission).

Allele frequency attached by ClinVar (database versions not stated): gnomAD exomes below 0.00001; TOPMed below 0.00001; gnomAD 0.00001.
gnomAD v4.1: 2 of 1,535,840 alleles (0.00013%); highest among the groups gnomAD compares: Non-Finnish European, 0.00017%; no homozygotes.

Submission:

Labcorp Genetics (formerly Invitae), Labcorp
Classification: Uncertain significance. Last evaluated: 2023-12-09. Review status: criteria provided, single submitter. Criteria: Invitae Variant Classification Sherloc (09022015). Collection method: clinical testing. Allele origin: germline.
Comment: This sequence change replaces alanine, which is neutral and non-polar, with valine, which is neutral and non-polar, at codon 899 of the PDZD7 protein (p.Ala899Val). This variant is not present in population databases (gnomAD no frequency). This variant has not been reported in the literature in individuals affected with PDZD7-related conditions. Experimental studies and prediction algorithms are not available or were not evaluated, and the functional significance of this variant is currently unknown. In summary, the available evidence is currently insufficient to determine the role of this variant in disease. Therefore, it has been classified as a Variant of Uncertain Significance.

NM_001195263.2(PDZD7):c.2696C>T (p.Ala899Val)

Gene: PDZD7 (PDZ domain containing 7; minus strand). Cytogenetic location: 10q24.31.
Variant type: single nucleotide variant.
Coding change: c.2696C>T on transcript NM_001195263.2 (MANE Select); coding-DNA position 2696, C replaced by T.
Protein change: p.Ala899Val; replaces alanine 899 with valine.
Molecular consequence: missense variant.
Genome position (GRCh38, 1-based): chr10:101,009,272, G>A on the plus strand (C>T on the coding strand, the complement: PDZD7 is on the minus strand). VCF-style: chr10-101009272-G-A. GRCh37 (hg19) VCF-style: chr10-102769029-G-A.
Other names: short protein forms A899V.
Identifiers: ClinVar variation 2797712 (VCV002797712.3), dbSNP rs1852314232, ClinGen allele CA378223549.